The following is an entry in ClinVar:

NM_002474.3(MYH11):c.2859+6G>A

Gene: MYH11 (myosin heavy chain 11; minus strand). Cytogenetic location: 16p13.11.
Variant type: single nucleotide variant.
Coding change: c.2859+6G>A on transcript NM_002474.3 (MANE Select); 6 bases into the intron after coding-DNA position 2859, G replaced by A.
Molecular consequence: intron variant.
Genome position (GRCh38, 1-based): chr16:15,741,457, C>T on the plus strand (G>A on the coding strand, the complement: MYH11 is on the minus strand). VCF-style: chr16-15741457-C-T. GRCh37 (hg19) VCF-style: chr16-15835314-C-T.
Other names: c.2859+6G>A (NM_022844.3); c.2880+6G>A (NM_001040114.2, NM_001040113.2).
Identifiers: ClinVar variation 4707205 (VCV004707205.1).

ClinVar aggregate classification (germline): Uncertain significance (1 of 4 stars; one submission).

Conditions:
Aortic aneurysm, familial thoracic 4 (AAT4). Also called: AORTIC ANEURYSM/AORTIC DISSECTION AND PATENT DUCTUS ARTERIOSUS. Identifiers: MedGen C1851504, MONDO:0007568, OMIM 132900.

Submission:

Labcorp Genetics (formerly Invitae), Labcorp
Classification: Uncertain significance for Aortic aneurysm, familial thoracic 4. Last evaluated: 2025-09-25. Review status: criteria provided, single submitter. Criteria: Invitae Variant Classification Sherloc (09022015). Collection method: clinical testing. Allele origin: germline.
Comment: This sequence change falls in intron 23 of the MYH11 gene. It does not directly change the encoded amino acid sequence of the MYH11 protein. It affects a nucleotide within the consensus splice site. This variant is not present in population databases (gnomAD no frequency). This variant has not been reported in the literature in individuals affected with MYH11-related conditions. Variants that disrupt the consensus splice site are a relatively common cause of aberrant splicing (PMID: 17576681, 9536098). Algorithms developed to predict the effect of sequence changes on RNA splicing suggest that this variant is not likely to affect RNA splicing. In summary, the available evidence is currently insufficient to determine the role of this variant in disease. Therefore, it has been classified as a Variant of Uncertain Significance.

Literature cited by the submitters: PubMed 17576681; PubMed 9536098.